The following is an entry in ClinVar:

ClinVar aggregate classification (germline): Likely pathogenic. Review status: criteria provided, multiple submitters, no conflicts (2 of 4 stars). 5 submissions from 5 submitters: Likely pathogenic (5). Last evaluated 2025-05-14.

Conditions:
Citrin deficiency. Identifiers: Orphanet 247582, MedGen C1997910, MONDO:0016602.
Short-rib thoracic dysplasia 6 with or without polydactyly (SRTD6). Also called: Majewski Syndrome; SHORT-RIB THORACIC DYSPLASIA 6 WITH POLYDACTYLY; SHORT-RIB THORACIC DYSPLASIA 6 WITHOUT POLYDACTYLY; POLYDACTYLY WITH NEONATAL CHONDRODYSTROPHY, TYPE II; SHORT RIB-POLYDACTYLY SYNDROME, TYPE IIA. Identifiers: MedGen C0024507, MONDO:0009894, OMIM 263520.
SLC25A13-related disorder. Also called: SLC25A13-related condition.
Citrullinemia, type II, adult-onset (CDAA). Also called: CITRIN DEFICIENCY, ADOLESCENT OR ADULT ONSET. Identifiers: Orphanet 247585, MedGen CN295299, MONDO:0011326, OMIM 603471.
Citrullinemia. Identifiers: Orphanet 187, MedGen C0175683, MONDO:0015991.

Allele frequency attached by ClinVar (database versions not stated): gnomAD exomes 0.00001; gnomAD 0.00002; TOPMed 0.00002.
gnomAD v4.1: 16 of 1,538,594 alleles (0.001%); highest among the groups gnomAD compares: African/African-American, 0.0014%; no homozygotes.

Submissions (5):

PreventionGenetics, part of Exact Sciences
Classification: Likely pathogenic for SLC25A13-related condition. Last evaluated: 2025-05-14. Review status: criteria provided, single submitter. Criteria: ACMG Guidelines, 2015. Collection method: clinical testing. Allele origin: germline.
Comment: The SLC25A13 c.15+1G>A variant is predicted to disrupt the GT donor site and interfere with normal splicing. To our knowledge, this variant has not been reported in the literature. Alternate nucleotide changes impacting the exon 1 and 2 consensus splice sites (c.15G>A; c.16-1G>A; and c.16-2A>T) have been reported in the compound heterozygous state in individuals with citrin deficiency (Tabata et al. 2008. PubMed ID: 18392553; Takahashi et al. 2006. PubMed ID: 16449956; Song et al. 2013. PubMed ID: 24069319). The c.15+1G>A variant is reported in 0.027% of alleles in individuals of African descent in gnomAD. Variants that disrupt the consensus splice donor site in SLC25A13 are expected to be pathogenic. This variant is interpreted as likely pathogenic.

Natera, Inc.
Classification: Likely pathogenic for Citrullinemia. Last evaluated: 2024-08-08. Review status: criteria provided, single submitter. Criteria: Natera Variant Classification Schema (03/2026). Collection method: clinical testing. Allele origin: germline.
Comment: The c.15+1G>A variant in SLC25A13 is a canonical splice donor site variant predicted to affect pre-mRNA splicing, which may result in an abnormal transcript and altered protein product. This variant is expected to result in nonsense mediated decay, truncation, or a dysfunctional protein product. This variant is rare in the general population with a frequency below the threshold expected for the associated phenotype(s). Given the available evidence, this variant is classified as Likely Pathogenic.

Baylor Genetics
Classification: Likely pathogenic for Citrullinemia, type II, adult-onset. Last evaluated: 2023-11-15. Review status: criteria provided, single submitter. Criteria: ACMG Guidelines, 2015. Collection method: clinical testing. Allele origin: unknown.

Labcorp Genetics (formerly Invitae), Labcorp
Classification: Likely pathogenic for Citrin deficiency. Last evaluated: 2023-09-04. Review status: criteria provided, single submitter. Criteria: Invitae Variant Classification Sherloc (09022015). Collection method: clinical testing. Allele origin: germline.
Comment: ClinVar contains an entry for this variant (Variation ID: 1496431). In summary, the currently available evidence indicates that the variant is pathogenic, but additional data are needed to prove that conclusively. Therefore, this variant has been classified as Likely Pathogenic. Algorithms developed to predict the effect of sequence changes on RNA splicing suggest that this variant may disrupt the consensus splice site. This variant has not been reported in the literature in individuals affected with SLC25A13-related conditions. The frequency data for this variant in the population databases is considered unreliable, as metrics indicate poor data quality at this position in the gnomAD database. This sequence change affects a donor splice site in intron 1 of the SLC25A13 gene. It is expected to disrupt RNA splicing. Variants that disrupt the donor or acceptor splice site typically lead to a loss of protein function (PMID: 16199547), and loss-of-function variants in SLC25A13 are known to be pathogenic (PMID: 10369257, 14680984, 27405544).

Neuberg Centre For Genomic Medicine, NCGM
Classification: Likely pathogenic for Short-rib thoracic dysplasia 6 with or without polydactyly. Review status: criteria provided, single submitter. Criteria: ACMG Guidelines, 2015. Collection method: clinical testing. Allele origin: germline. Inheritance: Autosomal recessive inheritance. Affected: yes.

Literature cited by the submitters: PubMed 16199547 (cited by Labcorp Genetics (formerly Invitae), Labcorp); PubMed 10369257 (cited by Labcorp Genetics (formerly Invitae), Labcorp); PubMed 14680984 (cited by Labcorp Genetics (formerly Invitae), Labcorp); PubMed 27405544 (cited by Labcorp Genetics (formerly Invitae), Labcorp).

NM_014251.3(SLC25A13):c.15+1G>A

Genes: SLC25A13 (solute carrier family 25 member 13; minus strand), LOC129998833 (ATAC-STARR-seq lymphoblastoid silent region 18384; plus strand). Cytogenetic location: 7q21.3.
Variant type: single nucleotide variant.
Coding change: c.15+1G>A on transcript NM_014251.3 (MANE Select); the canonical splice donor site of the intron after coding-DNA position 15, G replaced by A.
Molecular consequence: splice donor variant.
Genome position (GRCh38, 1-based): chr7:96,321,941, C>T on the plus strand (G>A on the coding strand, the complement: SLC25A13 is on the minus strand). VCF-style: chr7-96321941-C-T. GRCh37 (hg19) VCF-style: chr7-95951253-C-T.
Other names: c.15+1G>A (NM_014251.2, NM_001160210.2).
Identifiers: ClinVar variation 1496431 (VCV001496431.11), dbSNP rs748094224, ClinGen allele CA4353435.